The following is an entry in ClinVar:

NM_032119.4(ADGRV1):c.12637G>C (p.Glu4213Gln)

Gene: ADGRV1 (adhesion G protein-coupled receptor V1; plus strand). Cytogenetic location: 5q14.3.
Variant type: single nucleotide variant.
Coding change: c.12637G>C on transcript NM_032119.4 (MANE Select); coding-DNA position 12637, G replaced by C.
Protein change: p.Glu4213Gln; replaces glutamic acid 4213 with glutamine.
Molecular consequence: missense variant. On other transcripts: non-coding transcript variant (1).
Genome position (GRCh38, 1-based): chr5:90,778,014, G>C. VCF-style: chr5-90778014-G-C. GRCh37 (hg19) VCF-style: chr5-90073831-G-C.
Other names: short protein forms E4213Q.
Identifiers: ClinVar variation 1380986 (VCV001380986.6), dbSNP rs397517421, ClinGen allele CA360387453.

ClinVar aggregate classification (germline): Uncertain significance (1 of 4 stars; one submission).

gnomAD v4.1: 1 of 1,585,770 alleles (0.000063%); highest among the groups gnomAD compares: Non-Finnish European, 0.000086%; no homozygotes.

Submission:

Labcorp Genetics (formerly Invitae), Labcorp
Classification: Uncertain significance. Last evaluated: 2022-07-05. Review status: criteria provided, single submitter. Criteria: Invitae Variant Classification Sherloc (09022015). Collection method: clinical testing. Allele origin: germline.
Comment: This variant has not been reported in the literature in individuals affected with ADGRV1-related conditions. ClinVar contains an entry for this variant (Variation ID: 1380986). Algorithms developed to predict the effect of missense changes on protein structure and function (SIFT, PolyPhen-2, Align-GVGD) all suggest that this variant is likely to be tolerated. In summary, the available evidence is currently insufficient to determine the role of this variant in disease. Therefore, it has been classified as a Variant of Uncertain Significance. This variant is not present in population databases (gnomAD no frequency). This sequence change replaces glutamic acid, which is acidic and polar, with glutamine, which is neutral and polar, at codon 4213 of the ADGRV1 protein (p.Glu4213Gln).